The following is an entry in ClinVar:

NM_004415.4(DSP):c.476C>G (p.Pro159Arg)

Gene: DSP (desmoplakin; plus strand). Cytogenetic location: 6p24.3.
Variant type: single nucleotide variant.
Coding change: c.476C>G on transcript NM_004415.4 (MANE Select); coding-DNA position 476, C replaced by G.
Protein change: p.Pro159Arg; replaces proline 159 with arginine.
Molecular consequence: missense variant.
Genome position (GRCh38, 1-based): chr6:7,559,279, C>G. VCF-style: chr6-7559279-C-G. GRCh37 (hg19) VCF-style: chr6-7559512-C-G.
Other names: c.476C>G, p.Pro159Arg (NM_001008844.3, NM_001319034.2, NM_001406591.1); short protein forms P159R.
Identifiers: ClinVar variation 2064784 (VCV002064784.4), dbSNP rs2533853397, ClinGen allele CA362672289.

ClinVar aggregate classification (germline): Uncertain significance (1 of 4 stars; one submission).

Conditions:
Arrhythmogenic cardiomyopathy with wooly hair and keratoderma. Also called: Carvajal syndrome; Dilated cardiomyopathy with woolly hair and keratoderma; Arrhythmogenic cardiomyopathy with woolly hair and keratoderma; PALMOPLANTAR KERATODERMA WITH LEFT VENTRICULAR CARDIOMYOPATHY AND WOOLLY HAIR. Identifiers: Orphanet 65282, MedGen C1854063, MONDO:0011581, OMIM 605676.
Arrhythmogenic right ventricular dysplasia 8 (ARVD8). Also called: Arrhythmogenic Right Ventricular Dysplasia/Cardiomyopathy 8; ARRHYTHMOGENIC RIGHT VENTRICULAR DYSPLASIA, FAMILIAL, 8; ARRHYTHMOGENIC RIGHT VENTRICULAR CARDIOMYOPATHY 8. Identifiers: MedGen C1843896, MONDO:0011831, OMIM 607450.

Submission:

Labcorp Genetics (formerly Invitae), Labcorp
Classification: Uncertain significance for Arrhythmogenic cardiomyopathy with wooly hair and keratoderma; Arrhythmogenic right ventricular dysplasia 8. Last evaluated: 2021-12-29. Review status: criteria provided, single submitter. Criteria: Invitae Variant Classification Sherloc (09022015). Collection method: clinical testing. Allele origin: germline.
Comment: In summary, the available evidence is currently insufficient to determine the role of this variant in disease. Therefore, it has been classified as a Variant of Uncertain Significance. Algorithms developed to predict the effect of missense changes on protein structure and function are either unavailable or do not agree on the potential impact of this missense change (SIFT: "Deleterious"; PolyPhen-2: "Probably Damaging"; Align-GVGD: "Class C0"). This variant has not been reported in the literature in individuals affected with DSP-related conditions. This variant is not present in population databases (gnomAD no frequency). This sequence change replaces proline, which is neutral and non-polar, with arginine, which is basic and polar, at codon 159 of the DSP protein (p.Pro159Arg).